The following is an entry in ClinVar:

NM_000302.4(PLOD1):c.1441A>G (p.Met481Val)

Gene: PLOD1 (procollagen-lysine,2-oxoglutarate 5-dioxygenase 1; plus strand). Cytogenetic location: 1p36.22.
Variant type: single nucleotide variant.
Coding change: c.1441A>G on transcript NM_000302.4 (MANE Select); coding-DNA position 1441, A replaced by G.
Protein change: p.Met481Val; replaces methionine 481 with valine.
Molecular consequence: missense variant.
Genome position (GRCh38, 1-based): chr1:11,964,756, A>G. VCF-style: chr1-11964756-A-G. GRCh37 (hg19) VCF-style: chr1-12024813-A-G.
Other names: c.1582A>G, p.Met528Val (NM_001316320.2); short protein forms M528V, M481V.
Identifiers: ClinVar variation 1448543 (VCV001448543.9), dbSNP rs2100758386, ClinGen allele CA338443853.

ClinVar aggregate classification (germline): Uncertain significance. Review status: criteria provided, multiple submitters, no conflicts (2 of 4 stars). 2 submissions from 2 submitters: Uncertain significance (2). Last evaluated 2021-10-31.

Conditions:
Familial thoracic aortic aneurysm and aortic dissection (TAAD). Also called: Thoracic aortic aneurysms and dissections. Identifiers: Orphanet 91387, MedGen C4707243, MONDO:0019625.
Ehlers-Danlos syndrome, kyphoscoliotic type 1 (EDSKSCL1). Also called: EHLERS-DANLOS SYNDROME, TYPE VIA; Ehlers-Danlos syndrome, hydroxylysine-deficient; EHLERS-DANLOS SYNDROME, OCULAR-SCOLIOTIC TYPE; PLOD1-Related Kyphoscoliotic Ehlers-Danlos Syndrome. Identifiers: Orphanet 1900, MedGen C0268342, MONDO:0016002, OMIM 225400. Disease mechanism: loss of function.

Allele frequency attached by ClinVar (database versions not stated): gnomAD exomes below 0.00001.
gnomAD v4.1: 1 of 1,613,722 alleles (0.000062%); highest among the groups gnomAD compares: Non-Finnish European, 0.000085%; no homozygotes.

Submissions (2):

Labcorp Genetics (formerly Invitae), Labcorp
Classification: Uncertain significance for Ehlers-Danlos syndrome, kyphoscoliotic type 1. Last evaluated: 2021-10-31. Review status: criteria provided, single submitter. Criteria: Invitae Variant Classification Sherloc (09022015). Collection method: clinical testing. Allele origin: germline.
Comment: Algorithms developed to predict the effect of missense changes on protein structure and function are either unavailable or do not agree on the potential impact of this missense change (SIFT: "Deleterious"; PolyPhen-2: "Benign"; Align-GVGD: "Class C15"). In summary, the available evidence is currently insufficient to determine the role of this variant in disease. Therefore, it has been classified as a Variant of Uncertain Significance. This variant is not present in population databases (gnomAD no frequency). This sequence change replaces methionine, which is neutral and non-polar, with valine, which is neutral and non-polar, at codon 481 of the PLOD1 protein (p.Met481Val). This variant has not been reported in the literature in individuals affected with PLOD1-related conditions.

Ambry Genetics
Classification: Uncertain significance for Familial thoracic aortic aneurysm and aortic dissection. Last evaluated: 2018-05-01. Review status: criteria provided, single submitter. Criteria: Ambry Variant Classification Scheme 2023. Collection method: clinical testing. Allele origin: germline.
Comment: The p.M481V variant (also known as c.1441A>G), located in coding exon 13 of the PLOD1 gene, results from an A to G substitution at nucleotide position 1441. The methionine at codon 481 is replaced by valine, an amino acid with highly similar properties. This amino acid position is highly conserved in available vertebrate species. In addition, this alteration is predicted to be deleterious by in silico analysis. Since supporting evidence is limited at this time, the clinical significance of this alteration remains unclear.